The following is an entry in ClinVar:

ClinVar aggregate classification (germline): Uncertain significance (1 of 4 stars; one submission).

Conditions:
Primary familial hypertrophic cardiomyopathy (HCM). Identifiers: Orphanet 99739, MedGen C0949658, MeSH D024741, MONDO:0024573. Inheritance: Various modes of inheritance.
Hypertrophic cardiomyopathy 25 (CMH25). Also called: CARDIOMYOPATHY, FAMILIAL HYPERTROPHIC, 25. Identifiers: MedGen C4225408, MONDO:0011843, OMIM 607487.

Submission:

Labcorp Genetics (formerly Invitae), Labcorp
Classification: Uncertain significance for Hypertrophic cardiomyopathy 25; Primary familial hypertrophic cardiomyopathy. Last evaluated: 2024-11-28. Review status: criteria provided, single submitter. Criteria: Invitae Variant Classification Sherloc (09022015). Collection method: clinical testing. Allele origin: germline.
Comment: This sequence change replaces methionine, which is neutral and non-polar, with lysine, which is basic and polar, at codon 71 of the TCAP protein (p.Met71Lys). This variant is not present in population databases (gnomAD no frequency). This variant has not been reported in the literature in individuals affected with TCAP-related conditions. An algorithm developed to predict the effect of missense changes on protein structure and function (PolyPhen-2) suggests that this variant is likely to be tolerated. In summary, the available evidence is currently insufficient to determine the role of this variant in disease. Therefore, it has been classified as a Variant of Uncertain Significance.

NM_003673.4(TCAP):c.212T>A (p.Met71Lys)

Gene: TCAP (titin-cap; plus strand). Cytogenetic location: 17q12.
Variant type: single nucleotide variant.
Coding change: c.212T>A on transcript NM_003673.4 (MANE Select); coding-DNA position 212, T replaced by A.
Protein change: p.Met71Lys; replaces methionine 71 with lysine.
Molecular consequence: missense variant.
Genome position (GRCh38, 1-based): chr17:39,665,817, T>A. VCF-style: chr17-39665817-T-A. GRCh37 (hg19) VCF-style: chr17-37822070-T-A.
Other names: short protein forms M71K.
Identifiers: ClinVar variation 3759919 (VCV003759919.2).